The following is an entry in ClinVar:

NM_018192.4(P3H2):c.1511A>C (p.Glu504Ala)

Gene: P3H2 (prolyl 3-hydroxylase 2; minus strand). Cytogenetic location: 3q28.
Variant type: single nucleotide variant.
Coding change: c.1511A>C on transcript NM_018192.4 (MANE Select); coding-DNA position 1511, A replaced by C.
Protein change: p.Glu504Ala; replaces glutamic acid 504 with alanine.
Molecular consequence: missense variant.
Genome position (GRCh38, 1-based): chr3:189,973,946, T>G on the plus strand (A>C on the coding strand, the complement: P3H2 is on the minus strand). VCF-style: chr3-189973946-T-G. GRCh37 (hg19) VCF-style: chr3-189691735-T-G.
Other names: c.968A>C, p.Glu323Ala (NM_001134418.2); short protein forms E323A, E504A.
Identifiers: ClinVar variation 2134408 (VCV002134408.4), dbSNP rs2473802129, ClinGen allele CA355753724.

ClinVar aggregate classification (germline): Uncertain significance (1 of 4 stars; one submission).

Submission:

Labcorp Genetics (formerly Invitae), Labcorp
Classification: Uncertain significance. Last evaluated: 2022-05-05. Review status: criteria provided, single submitter. Criteria: Invitae Variant Classification Sherloc (09022015). Collection method: clinical testing. Allele origin: germline.
Comment: This variant has not been reported in the literature in individuals affected with P3H2-related conditions. In summary, the available evidence is currently insufficient to determine the role of this variant in disease. Therefore, it has been classified as a Variant of Uncertain Significance. Algorithms developed to predict the effect of missense changes on protein structure and function are either unavailable or do not agree on the potential impact of this missense change (SIFT: "Deleterious"; PolyPhen-2: "Probably Damaging"; Align-GVGD: "Class C0"). This variant is not present in population databases (gnomAD no frequency). This sequence change replaces glutamic acid, which is acidic and polar, with alanine, which is neutral and non-polar, at codon 504 of the P3H2 protein (p.Glu504Ala).